The following is an entry in ClinVar:

ClinVar aggregate classification (germline): Uncertain significance (1 of 4 stars; one submission).

gnomAD v4.1: 1 of 1,316,706 alleles (0.000076%); highest among the groups gnomAD compares: Non-Finnish European, 0.000096%; no homozygotes.

Submission:

Labcorp Genetics (formerly Invitae), Labcorp
Classification: Uncertain significance. Last evaluated: 2020-08-11. Review status: criteria provided, single submitter. Criteria: Invitae Variant Classification Sherloc (09022015). Collection method: clinical testing. Allele origin: germline.
Comment: This variant has not been reported in the literature in individuals with HMX1-related conditions. The frequency data for this variant in the population databases is considered unreliable, as metrics indicate insufficient coverage at this position in the ExAC database. This sequence change replaces glycine with arginine at codon 95 of the HMX1 protein (p.Gly95Arg). The glycine residue is moderately conserved and there is a moderate physicochemical difference between glycine and arginine. In summary, the available evidence is currently insufficient to determine the role of this variant in disease. Therefore, it has been classified as a Variant of Uncertain Significance. Algorithms developed to predict the effect of missense changes on protein structure and function are either unavailable or do not agree on the potential impact of this missense change (SIFT: "Tolerated"; PolyPhen-2: "Not Available"; Align-GVGD: "Class C0").

NM_018942.3(HMX1):c.283G>C (p.Gly95Arg)

Gene: HMX1 (H6 family homeobox 1; minus strand). Cytogenetic location: 4p16.1.
Variant type: single nucleotide variant.
Coding change: c.283G>C on transcript NM_018942.3 (MANE Select); coding-DNA position 283, G replaced by C.
Protein change: p.Gly95Arg; replaces glycine 95 with arginine.
Molecular consequence: missense variant.
Genome position (GRCh38, 1-based): chr4:8,871,332, C>G on the plus strand (G>C on the coding strand, the complement: HMX1 is on the minus strand). VCF-style: chr4-8871332-C-G. GRCh37 (hg19) VCF-style: chr4-8873058-C-G.
Other names: c.283G>C, p.Gly95Arg (NM_001306142.2); short protein forms G95R.
Identifiers: ClinVar variation 1057474 (VCV001057474.9), dbSNP rs1489967377, ClinGen allele CA356278945.